The following is an entry in ClinVar:

NM_001127649.3(PEX26):c.710G>A (p.Arg237His)

Gene: PEX26 (peroxisomal biogenesis factor 26; plus strand). Cytogenetic location: 22q11.21.
Variant type: single nucleotide variant.
Coding change: c.710G>A on transcript NM_001127649.3 (MANE Select); coding-DNA position 710, G replaced by A.
Protein change: p.Arg237His; replaces arginine 237 with histidine.
Molecular consequence: missense variant. On other transcripts: intron variant (1).
Genome position (GRCh38, 1-based): chr22:18,085,154, G>A. VCF-style: chr22-18085154-G-A. GRCh37 (hg19) VCF-style: chr22-18567920-G-A.
Other names: c.710G>A, p.Arg237His (NM_017929.6); c.667+1422G>A (NM_001199319.2); short protein forms R237H.
Identifiers: ClinVar variation 573858 (VCV000573858.8), dbSNP rs370821533, ClinGen allele CA10093399.

ClinVar aggregate classification (germline): Uncertain significance. Review status: criteria provided, multiple submitters, no conflicts (2 of 4 stars). 3 submissions from 3 submitters: Uncertain significance (3). Last evaluated 2026-03-25.

Conditions:
PEX26-related disorder. Also called: PEX26-related condition.
Inborn genetic diseases. Identifiers: MedGen C0950123, MeSH D030342.
Peroxisome biogenesis disorder 7A (Zellweger). Also called: Peroxisome biogenesis disorder 7A. Identifiers: Orphanet 912, MedGen C3888385, MONDO:0013938, OMIM 614872.
Peroxisome biogenesis disorder 7B (PBD7B). Identifiers: Orphanet 44, MedGen C3553951, MONDO:0013939, OMIM 614873.

Allele frequency attached by ClinVar (database versions not stated): ESP Exome Variant Server 0.00008; TOPMed 0.00008; gnomAD 0.00012 and 0.00013; gnomAD exomes 0.00015 and 0.00016; ExAC 0.00025.
gnomAD v4.1: 243 of 1,613,968 alleles (0.015%); highest among the groups gnomAD compares: Non-Finnish European, 0.02%; no homozygotes.

Submissions (3):

PreventionGenetics, part of Exact Sciences
Classification: Uncertain significance for PEX26-related condition. Last evaluated: 2026-03-25. Review status: criteria provided, single submitter. Criteria: ACMG Guidelines, 2015. Collection method: clinical testing. Allele origin: germline.
Comment: The PEX26 c.710G>A variant is predicted to result in the amino acid substitution p.Arg237His. To our knowledge, this variant has not been reported in the literature. This variant is reported in 0.030% of alleles in individuals of European (Non-Finnish) descent in gnomAD. At this time, the clinical significance of this variant is uncertain due to the absence of conclusive functional and genetic evidence.

Ambry Genetics
Classification: Uncertain significance for Inborn genetic diseases. Last evaluated: 2025-08-02. Review status: criteria provided, single submitter. Criteria: Ambry Variant Classification Scheme 2023. Collection method: clinical testing. Allele origin: germline.

Labcorp Genetics (formerly Invitae), Labcorp
Classification: Uncertain significance for Peroxisome biogenesis disorder 7A (Zellweger); Peroxisome biogenesis disorder 7B. Last evaluated: 2022-09-19. Review status: criteria provided, single submitter. Criteria: Invitae Variant Classification Sherloc (09022015). Collection method: clinical testing. Allele origin: germline.
Comment: This sequence change replaces arginine, which is basic and polar, with histidine, which is basic and polar, at codon 237 of the PEX26 protein (p.Arg237His). This variant is present in population databases (rs370821533, gnomAD 0.03%). This variant has not been reported in the literature in individuals affected with PEX26-related conditions. ClinVar contains an entry for this variant (Variation ID: 573858). Advanced modeling of protein sequence and biophysical properties (such as structural, functional, and spatial information, amino acid conservation, physicochemical variation, residue mobility, and thermodynamic stability) performed at Invitae indicates that this missense variant is not expected to disrupt PEX26 protein function. In summary, the available evidence is currently insufficient to determine the role of this variant in disease. Therefore, it has been classified as a Variant of Uncertain Significance.